The following is an entry in ClinVar:

NM_007294.4(BRCA1):c.2878_2879del (p.Gly960fs)

Gene: BRCA1 (BRCA1 DNA repair associated; minus strand). Cytogenetic location: 17q21.31.
Variant type: Deletion.
Coding change: c.2878_2879del on transcript NM_007294.4 (MANE Select); coding-DNA positions 2878 to 2879, 2 bases deleted (GG; older notation c.2878_2879delGG).
Protein change: p.Gly960fs; shifts the reading frame from glycine 960.
Molecular consequence: frameshift variant. On other transcripts: intron variant (137).
Genome position (GRCh38, 1-based): chr17:43,092,652-43,092,653, CC deleted on the plus strand (GG on the coding strand, the reverse complement: BRCA1 is on the minus strand). VCF-style (leftmost placement, unchanged base first): chr17-43092651-GCC-G. GRCh37 (hg19) VCF-style: chr17-41244668-GCC-G.
Other names: 2997delGG-ter969; c.785-1621_785-1620del (NM_001407985.1, NM_001407991.1, NM_001408407.1 and 13 more transcripts); c.548-1621_548-1620del (NM_001408494.1); c.665-1621_665-1620del (NM_001408444.1, NM_001408438.1, NM_001408430.1 and 12 more transcripts); c.671-1621_671-1620del (NM_001408423.1, NM_001408420.1, NM_001408419.1 and 2 more transcripts); c.788-1621_788-1620del (NM_001408404.1, NM_001408472.1, NM_001407990.1 and 17 more transcripts); c.788-514_788-513del (NM_001407969.1, NM_001407968.1); c.578-1621_578-1620del (NM_001408492.1, NM_001408513.1, NM_001408489.1 and 9 more transcripts); and 43 more; short protein forms G960fs, G913fs, G849fs, G664fs, G792fs, G833fs, G848fs, G890fs.
Identifiers: ClinVar variation 266314 (VCV000266314.6), dbSNP rs886040081, ClinGen allele CA10589802.

ClinVar aggregate classification (germline): Pathogenic. Review status: reviewed by expert panel (3 of 4 stars). 2 submissions from 2 submitters: Pathogenic (1). 1 of the submissions does not count toward it. Last evaluated 2016-10-18.

Conditions:
Breast-ovarian cancer, familial, susceptibility to, 1 (BROVCA1). Also called: BRCA1 Hereditary Breast and Ovarian Cancer; OVARIAN CANCER, SUSCEPTIBILITY TO. Identifiers: Orphanet 145, MedGen C2676676, MONDO:0011450, OMIM 604370. Disease mechanism: loss of function.

Submissions (2):

Evidence-based Network for the Interpretation of Germline Mutant Alleles (ENIGMA)
Classification: Pathogenic for Breast-ovarian cancer, familial, susceptibility to, 1. Last evaluated: 2016-10-18. Review status: reviewed by expert panel. Criteria: ENIGMA BRCA1/2 Classification Criteria (2015). Collection method: curation. Allele origin: germline.
Comment: Variant allele predicted to encode a truncated non-functional protein.

Consortium of Investigators of Modifiers of BRCA1/2 (CIMBA), c/o University of Cambridge
Classification: Pathogenic for Breast-ovarian cancer, familial, susceptibility to, 1. Last evaluated: 2015-10-02. Review status: criteria provided, single submitter. Criteria: CIMBA Mutation Classification guidelines May 2016. Collection method: clinical testing. Allele origin: germline. Not counted in ClinVar's aggregate classification.